The following is an entry in ClinVar:

ClinVar aggregate classification (germline): Uncertain significance (1 of 4 stars; one submission).

Conditions:
Progressive familial heart block type IB (PFHB1B). Identifiers: Orphanet 871, MedGen C1970298, MONDO:0011474, OMIM 604559.

Allele frequency attached by ClinVar (database versions not stated): gnomAD exomes below 0.00001.
gnomAD v4.1: 2 of 1,614,034 alleles (0.00012%); highest among the groups gnomAD compares: Non-Finnish European, 0.00017%; no homozygotes.

Submission:

Labcorp Genetics (formerly Invitae), Labcorp
Classification: Uncertain significance for Progressive familial heart block type IB. Last evaluated: 2022-08-16. Review status: criteria provided, single submitter. Criteria: Invitae Variant Classification Sherloc (09022015). Collection method: clinical testing. Allele origin: germline.
Comment: In summary, the available evidence is currently insufficient to determine the role of this variant in disease. Therefore, it has been classified as a Variant of Uncertain Significance. Algorithms developed to predict the effect of missense changes on protein structure and function output the following: SIFT: "Tolerated"; PolyPhen-2: "Benign"; Align-GVGD: "Class C0". The leucine amino acid residue is found in multiple mammalian species, which suggests that this missense change does not adversely affect protein function. ClinVar contains an entry for this variant (Variation ID: 1377553). This variant has not been reported in the literature in individuals affected with TRPM4-related conditions. This variant is not present in population databases (gnomAD no frequency). This sequence change replaces proline, which is neutral and non-polar, with leucine, which is neutral and non-polar, at codon 321 of the TRPM4 protein (p.Pro321Leu).

NM_017636.4(TRPM4):c.962C>T (p.Pro321Leu)

Gene: TRPM4 (transient receptor potential cation channel subfamily M member 4; plus strand). Cytogenetic location: 19q13.33.
Variant type: single nucleotide variant.
Coding change: c.962C>T on transcript NM_017636.4 (MANE Select); coding-DNA position 962, C replaced by T.
Protein change: p.Pro321Leu; replaces proline 321 with leucine.
Molecular consequence: missense variant. On other transcripts: 5 prime UTR variant (1).
Genome position (GRCh38, 1-based): chr19:49,171,681, C>T. VCF-style: chr19-49171681-C-T. GRCh37 (hg19) VCF-style: chr19-49674938-C-T.
Other names: c.962C>T, p.Pro321Leu (NM_001195227.2); c.617C>T, p.Pro206Leu (NM_001321281.2); c.-592C>T (NM_001321282.2); c.440C>T, p.Pro147Leu (NM_001321283.2); c.113C>T, p.Pro38Leu (NM_001321285.2); short protein forms P147L, P321L, P206L, P38L.
Identifiers: ClinVar variation 1377553 (VCV001377553.6), dbSNP rs2122835175, ClinGen allele CA406794164.